The following is an entry in ClinVar:

Conditions:
Breast-ovarian cancer, familial, susceptibility to, 1 (BROVCA1). Also called: BRCA1 Hereditary Breast and Ovarian Cancer; OVARIAN CANCER, SUSCEPTIBILITY TO. Identifiers: Orphanet 145, MedGen C2676676, MONDO:0011450, OMIM 604370. Disease mechanism: loss of function.

Submission:

Brotman Baty Institute, University of Washington
No classification provided (evidence only). Condition: Breast-ovarian cancer, familial 1. Review status: no classification provided. Collection method: in vitro. Allele origin: not applicable. Functional consequence: functionally_normal.
ClinVar note: "not provided" was previously submitted as the classification for the variant. However, the classification appeared to be based only on an observation of functional data so it was converted to no classification on 2025-07-30.

NM_007294.4(BRCA1):c.5333-9C>G

Gene: BRCA1 (BRCA1 DNA repair associated; minus strand). Cytogenetic location: 17q21.31.
Variant type: single nucleotide variant.
Coding change: c.5333-9C>G on transcript NM_007294.4 (MANE Select); 9 bases into the intron before coding-DNA position 5333, C replaced by G.
Molecular consequence: intron variant.
Genome position (GRCh38, 1-based): chr17:43,049,203, G>C on the plus strand (C>G on the coding strand, the complement: BRCA1 is on the minus strand). VCF-style: chr17-43049203-G-C. GRCh37 (hg19) VCF-style: chr17-41201220-G-C.
Other names: c.5327-9C>G (NM_001407636.1, NM_001407639.1, NM_001407630.1 and 13 more transcripts); c.5330-9C>G (NM_001407612.1, NM_001407620.1, NM_001407623.1 and 14 more transcripts); c.1898-9C>G (NM_001408440.1, NM_001408433.1, NM_001408441.1 and 10 more transcripts); c.1901-9C>G (NM_001408428.1, NM_001408429.1, NM_001408426.1 and 4 more transcripts); c.5207-9C>G (NM_001407678.1, NM_001407673.1, NM_001407674.1 and 8 more transcripts); c.5210-9C>G (NM_001407666.1, NM_001407669.1, NM_001407665.1 and 3 more transcripts); c.1907-9C>G (NM_001408418.1, NM_001408420.1, NM_001408419.1); c.2021-9C>G (NM_001407981.1, NM_007298.4, NM_001407986.1 and 10 more transcripts); and 84 more.
Identifiers: ClinVar variation 865621 (VCV000865621.3), dbSNP rs2051099141, ClinGen allele CA916080897.
Genomic context (GRCh38, chr17:43,049,203, plus strand): 5'-AGCTCCTTCACCACAGAAGCACCACACAGCTGTACCATCCATTCCAGTTGATCTAAAATG[G>C]ACATTTAGATGTAAAATCACTGCAGTAATCTGCATACTTAACCCAGGCCCTCTACCCTAC-3'